The following is an entry in ClinVar:

ClinVar aggregate classification (germline): Conflicting classifications of pathogenicity. Review status: criteria provided, conflicting classifications (1 of 4 stars). 6 submissions from 6 submitters: Uncertain significance (4); Likely benign (1). 1 of the submissions does not count toward it. Last evaluated 2026-06-18.

Conditions:
Inborn genetic diseases. Identifiers: MedGen C0950123, MeSH D030342.
HPS1-related disorder. Also called: HPS1-related condition.
Hermansky-Pudlak syndrome 1 (HPS1). Also called: DELTA STORAGE POOL DISEASE. Identifiers: Orphanet 231500, Orphanet 79430, MedGen C2931875, MONDO:0008748, OMIM 203300.
Hermansky-Pudlak syndrome (HPS). Also called: ALBINISM WITH HEMORRHAGIC DIATHESIS AND PIGMENTED RETICULOENDOTHELIAL CELLS. Identifiers: Orphanet 79430, MedGen C0079504, MONDO:0019312.

Allele frequency attached by ClinVar (database versions not stated): gnomAD exomes 0.00011; ExAC 0.00014; ESP Exome Variant Server 0.00015; TOPMed 0.00025; gnomAD 0.00030 and 0.00031; 1000 Genomes Project 0.00080; 1000 Genomes Project 30x 0.00094.

Submissions (6):

PreventionGenetics, part of Exact Sciences
Classification: Uncertain significance for HPS1-related condition. Last evaluated: 2026-06-18. Review status: criteria provided, single submitter. Criteria: ACMG Guidelines, 2015. Collection method: clinical testing. Allele origin: germline.
Comment: The HPS1 c.1796C>T variant is predicted to result in the amino acid substitution p.Thr599Met. To our knowledge, this variant has not been reported in the literature. This variant is reported in 0.12% of alleles in individuals of African descent in gnomAD. Although we suspect that this variant may be benign, at this time, the clinical significance of this variant is uncertain due to the absence of conclusive functional and genetic evidence.

Labcorp Genetics (formerly Invitae), Labcorp
Classification: Likely benign. Last evaluated: 2026-01-27. Review status: criteria provided, single submitter. Criteria: Invitae Variant Classification Sherloc (09022015). Collection method: clinical testing. Allele origin: germline.

Ambry Genetics
Classification: Uncertain significance for Inborn genetic diseases. Last evaluated: 2025-09-09. Review status: criteria provided, single submitter. Criteria: Ambry Variant Classification Scheme 2023. Collection method: clinical testing. Allele origin: germline.

Blueprint Genetics
Classification: Uncertain significance. Last evaluated: 2024-11-01. Review status: criteria provided, single submitter. Criteria: ACMG Guidelines, 2015. Collection method: clinical testing. Allele origin: germline.

Fulgent Genetics
Classification: Uncertain significance for Hermansky-Pudlak syndrome 1. Last evaluated: 2024-06-12. Review status: criteria provided, single submitter. Criteria: ACMG Guidelines, 2015. Collection method: clinical testing. Allele origin: germline.

Natera, Inc.
Classification: Uncertain significance for Hermansky-Pudlak syndrome. Last evaluated: 2020-04-10. Review status: no assertion criteria provided. Collection method: clinical testing. Allele origin: germline. Not counted in ClinVar's aggregate classification.

NM_000195.5(HPS1):c.1796C>T (p.Thr599Met)

Gene: HPS1 (HPS1 biogenesis of lysosomal organelles complex 3 subunit 1; minus strand). Cytogenetic location: 10q24.2.
Variant type: single nucleotide variant.
Coding change: c.1796C>T on transcript NM_000195.5 (MANE Select); coding-DNA position 1796, C replaced by T.
Protein change: p.Thr599Met; replaces threonine 599 with methionine.
Molecular consequence: missense variant.
Genome position (GRCh38, 1-based): chr10:98,420,106, G>A on the plus strand (C>T on the coding strand, the complement: HPS1 is on the minus strand). VCF-style: chr10-98420106-G-A. GRCh37 (hg19) VCF-style: chr10-100179863-G-A.
Other names: c.1796C>T (NM_000195.4, NM_000195.3); c.824C>T, p.Thr275Met (NM_001311345.2, NM_001322487.2, NM_001322489.2); c.1796C>T, p.Thr599Met (NM_001322476.2, NM_001322477.2); c.1697C>T, p.Thr566Met (NM_001322478.2, NM_001322479.2); c.1535C>T, p.Thr512Met (NM_001322480.2, NM_001322481.2); c.1436C>T, p.Thr479Met (NM_001322482.2); c.1427C>T, p.Thr476Met (NM_001322483.2, NM_001322484.2); c.1328C>T, p.Thr443Met (NM_001322485.2); short protein forms T275M, T443M, T476M, T479M, T512M, T566M, T599M.
Identifiers: ClinVar variation 990831 (VCV000990831.10), dbSNP rs201076763, ClinGen allele CA5638884.
Genomic context (GRCh38, chr10:98,420,106, plus strand): 5'-ATGTCATTCTCGAACCACAGGAAGTAGGAGCAGTAGAAATCCCCCTCCTGGAACAGCAGC[G>A]TGGTGTAGCCCTTCTGCAGGTATCTGCGCGCCAGCTGGATCAGAGACCAGACCTGGGGAA-3'
Protein context (NP_000186.2, residues 589-609): ARRYLQKGYT[Thr599Met]LLFQEGDFYC